The following is an entry in ClinVar:

ClinVar aggregate classification (germline): Uncertain significance. Review status: criteria provided, multiple submitters, no conflicts (2 of 4 stars). 2 submissions from 2 submitters: Uncertain significance (2). Last evaluated 2026-07-06.

Conditions:
Hereditary cancer-predisposing syndrome. Also called: Hereditary neoplastic syndrome; Neoplastic Syndromes, Hereditary; Tumor predisposition; Hereditary Cancer Syndrome. Identifiers: Orphanet 140162, MedGen C0027672, MeSH D009386, MONDO:0015356.
Microcephaly, normal intelligence and immunodeficiency (NBS). Also called: Nijmegen breakage syndrome; Microcephaly with normal intelligence immunodeficiency and lymphoreticular malignancies; Nonsyndromal microcephaly autosomal recessive with normal intelligence; Seemanova syndrome 2; BERLIN BREAKAGE SYNDROME; Ataxia telangiectasia variant V1. Identifiers: Orphanet 647, MedGen C0398791, MONDO:0009623, OMIM 251260.

Submissions (2):

Ambry Genetics
Classification: Uncertain significance for Hereditary cancer-predisposing syndrome. Last evaluated: 2026-07-06. Review status: criteria provided, single submitter. Criteria: Ambry Variant Classification Scheme 2023. Collection method: clinical testing. Allele origin: germline.
Comment: The p.D284V variant (also known as c.851A>T), located in coding exon 7 of the NBN gene, results from an A to T substitution at nucleotide position 851. The aspartic acid at codon 284 is replaced by valine, an amino acid with highly dissimilar properties. This amino acid position is conserved. In addition, this alteration is predicted to be tolerated by in silico analysis. Based on the available evidence, the clinical significance of this variant remains unclear.

Labcorp Genetics (formerly Invitae), Labcorp
Classification: Uncertain significance for Microcephaly, normal intelligence and immunodeficiency. Last evaluated: 2022-02-20. Review status: criteria provided, single submitter. Criteria: Invitae Variant Classification Sherloc (09022015). Collection method: clinical testing. Allele origin: germline.
Comment: This sequence change replaces aspartic acid, which is acidic and polar, with valine, which is neutral and non-polar, at codon 284 of the NBN protein (p.Asp284Val). This variant is not present in population databases (gnomAD no frequency). This variant has not been reported in the literature in individuals affected with NBN-related conditions. Algorithms developed to predict the effect of missense changes on protein structure and function are either unavailable or do not agree on the potential impact of this missense change (SIFT: "Tolerated"; PolyPhen-2: "Possibly Damaging"; Align-GVGD: "Class C0"). In summary, the available evidence is currently insufficient to determine the role of this variant in disease. Therefore, it has been classified as a Variant of Uncertain Significance.

NM_002485.5(NBN):c.851A>T (p.Asp284Val)

Gene: NBN (nibrin; minus strand). Cytogenetic location: 8q21.3.
Variant type: single nucleotide variant.
Coding change: c.851A>T on transcript NM_002485.5 (MANE Select); coding-DNA position 851, A replaced by T.
Protein change: p.Asp284Val; replaces aspartic acid 284 with valine.
Molecular consequence: missense variant.
Genome position (GRCh38, 1-based): chr8:89,970,409, T>A on the plus strand (A>T on the coding strand, the complement: NBN is on the minus strand). VCF-style: chr8-89970409-T-A. GRCh37 (hg19) VCF-style: chr8-90982637-T-A.
Other names: c.605A>T, p.Asp202Val (NM_001024688.3); short protein forms D202V, D284V.
Identifiers: ClinVar variation 1901461 (VCV001901461.3), dbSNP rs772176894, ClinGen allele CA371658405.